The following is an entry in ClinVar:

NM_130837.3(OPA1):c.1649C>T (p.Ala550Val)

Gene: OPA1 (OPA1 mitochondrial dynamin like GTPase; plus strand). Cytogenetic location: 3q29.
Variant type: single nucleotide variant.
Coding change: c.1649C>T on transcript NM_130837.3 (MANE Select); coding-DNA position 1649, C replaced by T.
Protein change: p.Ala550Val; replaces alanine 550 with valine.
Molecular consequence: missense variant.
Genome position (GRCh38, 1-based): chr3:193,645,593, C>T. VCF-style: chr3-193645593-C-T. GRCh37 (hg19) VCF-style: chr3-193363382-C-T.
Other names: c.1115C>T, p.Ala372Val (NM_001354663.2); c.1112C>T, p.Ala371Val (NM_001354664.2); c.1484C>T, p.Ala495Val (NM_015560.3); c.1376C>T, p.Ala459Val (NM_130831.3); c.1430C>T, p.Ala477Val (NM_130832.3); c.1487C>T, p.Ala496Val (NM_130833.3); c.1538C>T, p.Ala513Val (NM_130834.3); c.1541C>T, p.Ala514Val (NM_130835.3); and 1 more; short protein forms A371V, A372V, A459V, A477V, A495V, A496V, A513V, A514V.
Identifiers: ClinVar variation 4538144 (VCV004538144.1).

ClinVar aggregate classification (germline): Pathogenic (1 of 4 stars; one submission).

Submission:

GeneDx
Classification: Pathogenic. Last evaluated: 2025-06-10. Review status: criteria provided, single submitter. Criteria: GeneDx Variant Classification Process June 2021. Collection method: clinical testing. Allele origin: germline. Affected: yes.
Comment: Published functional studies suggest a damaging effect [reconstituted neuronal pathways on microfluidic devices show p.(A495V) significantly affects mitochondrial dynamics and synaptic formation] (PMID: 31875567); Not observed at significant frequency in large population cohorts (gnomAD); In silico analysis supports that this missense variant has a deleterious effect on protein structure/function; This variant is associated with the following publications: (PMID: 33742459, 38943319, 23384603, 31875567, 28379197, 34629400, 34329598, 25820230, 20157015)